The following is an entry in ClinVar:

ClinVar aggregate classification (germline): Uncertain significance (1 of 4 stars; one submission).

gnomAD v4.1: 1 of 1,613,778 alleles (0.000062%); highest among the groups gnomAD compares: East Asian, 0.0022%; no homozygotes.

Submission:

Labcorp Genetics (formerly Invitae), Labcorp
Classification: Uncertain significance. Last evaluated: 2025-01-20. Review status: criteria provided, single submitter. Criteria: Invitae Variant Classification Sherloc (09022015). Collection method: clinical testing. Allele origin: germline.
Comment: This sequence change replaces alanine, which is neutral and non-polar, with serine, which is neutral and polar, at codon 192 of the STN1 protein (p.Ala192Ser). This variant is not present in population databases (gnomAD no frequency). This variant has not been reported in the literature in individuals affected with STN1-related conditions. Invitae Evidence Modeling of protein sequence and biophysical properties (such as structural, functional, and spatial information, amino acid conservation, physicochemical variation, residue mobility, and thermodynamic stability) indicates that this missense variant is not expected to disrupt STN1 protein function with a negative predictive value of 80%. In summary, the available evidence is currently insufficient to determine the role of this variant in disease. Therefore, it has been classified as a Variant of Uncertain Significance.

NM_024928.5(STN1):c.574G>T (p.Ala192Ser)

Gene: STN1 (STN1 subunit of CST complex; minus strand). Cytogenetic location: 10q24.33.
Variant type: single nucleotide variant.
Coding change: c.574G>T on transcript NM_024928.5 (MANE Select); coding-DNA position 574, G replaced by T.
Protein change: p.Ala192Ser; replaces alanine 192 with serine.
Molecular consequence: missense variant.
Genome position (GRCh38, 1-based): chr10:103,898,884, C>A on the plus strand (G>T on the coding strand, the complement: STN1 is on the minus strand). VCF-style: chr10-103898884-C-A. GRCh37 (hg19) VCF-style: chr10-105658642-C-A.
Other names: short protein forms A192S.
Identifiers: ClinVar variation 3715542 (VCV003715542.2).